The following is an entry in ClinVar:

ClinVar aggregate classification (germline): Uncertain significance. Review status: criteria provided, multiple submitters, no conflicts (2 of 4 stars). 2 submissions from 2 submitters: Uncertain significance (2). Last evaluated 2025-06-16.

Conditions:
Charcot-Marie-Tooth disease type 2. Also called: Charcot-Marie-Tooth type 2. Identifiers: Orphanet 64746, MedGen C0270914, MONDO:0018993.

Allele frequency attached by ClinVar (database versions not stated): gnomAD exomes below 0.00001; TOPMed 0.00001; ExAC 0.00001; gnomAD 0.00001; ESP Exome Variant Server 0.00008.
gnomAD v4.1: 2 of 1,613,896 alleles (0.00012%); highest among the groups gnomAD compares: Non-Finnish European, 0.00017%; no homozygotes.

Submissions (2):

Labcorp Genetics (formerly Invitae), Labcorp
Classification: Uncertain significance for Charcot-Marie-Tooth disease type 2. Last evaluated: 2025-06-16. Review status: criteria provided, single submitter. Criteria: Invitae Variant Classification Sherloc (09022015). Collection method: clinical testing. Allele origin: germline.
Comment: This sequence change falls in intron 32 of the KIF1B gene. It does not directly change the encoded amino acid sequence of the KIF1B protein. It affects a nucleotide within the consensus splice site. This variant is present in population databases (rs373470177, gnomAD 0.0009%). This variant has not been reported in the literature in individuals affected with KIF1B-related conditions. ClinVar contains an entry for this variant (Variation ID: 1352559). Variants that disrupt the consensus splice site are a relatively common cause of aberrant splicing (PMID: 17576681, 9536098). Algorithms developed to predict the effect of sequence changes on RNA splicing suggest that this variant may disrupt the consensus splice site. In summary, the available evidence is currently insufficient to determine the role of this variant in disease. Therefore, it has been classified as a Variant of Uncertain Significance.

Ambry Genetics
Classification: Uncertain significance. Last evaluated: 2024-06-05. Review status: criteria provided, single submitter. Criteria: Ambry Variant Classification Scheme 2023. Collection method: clinical testing. Allele origin: germline.
Comment: The c.3550+5G>A intronic variant results from a G to A substitution 5 nucleotides after coding exon 31 in the KIF1B gene. This nucleotide position is highly conserved in available vertebrate species. In silico splice site analysis predicts that this alteration will not have any significant effect on splicing. The evidence for this gene-disease relationship is limited; therefore, the clinical significance of this alteration is unclear.

Literature cited by the submitters: PubMed 17576681 (cited by Labcorp Genetics (formerly Invitae), Labcorp); PubMed 9536098 (cited by Labcorp Genetics (formerly Invitae), Labcorp).

NM_001365951.3(KIF1B):c.3688+5G>A

Gene: KIF1B (kinesin family member 1B; plus strand). Cytogenetic location: 1p36.22.
Variant type: single nucleotide variant.
Coding change: c.3688+5G>A on transcript NM_001365951.3 (MANE Select); 5 bases into the intron after coding-DNA position 3688, G replaced by A.
Molecular consequence: intron variant.
Genome position (GRCh38, 1-based): chr1:10,343,292, G>A. VCF-style: chr1-10343292-G-A. GRCh37 (hg19) VCF-style: chr1-10403350-G-A.
Other names: c.3550+5G>A (NM_015074.3); c.3688+5G>A (NM_001365952.1).
Identifiers: ClinVar variation 1352559 (VCV001352559.9), dbSNP rs373470177, ClinGen allele CA581840.
Genomic context (GRCh38, chr1:10,343,292, plus strand): 5'-TCCGCCTCAGCCGTGCCGCCGATTCTTCCCTCCACCCATGCCACTGTCCAAGCCAGGTGA[G>A]CACTCGCTCCGCTTTTTGCATGATGATCTCTTTGTGAATACATGTCTTATTCTGAATGAC-3'